The following is an entry in ClinVar:

ClinVar aggregate classification (germline): Conflicting classifications of pathogenicity. Review status: criteria provided, conflicting classifications (1 of 4 stars). 4 submissions from 4 submitters: Uncertain significance (2); Likely benign (2). Last evaluated 2025-03-17.

Conditions:
IMPG2-related disorder. Also called: IMPG2-related condition.
Retinitis pigmentosa (RP). Identifiers: Orphanet 791, MedGen C0035334, MeSH D012174, MONDO:0019200, OMIM 268000. Inheritance: Autosomal dominant, autosomal recessive and X linked inheritance.

Allele frequency attached by ClinVar (database versions not stated): gnomAD exomes 0.00004 and 0.00010; TOPMed 0.00004; gnomAD 0.00008; ExAC 0.00009.
gnomAD v4.1: 75 of 1,613,728 alleles (0.0046%); highest among the groups gnomAD compares: Non-Finnish European, 0.00085%; no homozygotes.

Submissions (4):

Labcorp Genetics (formerly Invitae), Labcorp
Classification: Likely benign. Last evaluated: 2025-03-17. Review status: criteria provided, single submitter. Criteria: Invitae Variant Classification Sherloc (09022015). Collection method: clinical testing. Allele origin: germline.

PreventionGenetics, part of Exact Sciences
Classification: Likely benign for IMPG2-related condition. Last evaluated: 2024-11-14. Review status: criteria provided, single submitter. Criteria: ACMG Guidelines, 2015. Collection method: clinical testing. Allele origin: germline.
Comment: This variant is classified as likely benign based on ACMG/AMP sequence variant interpretation guidelines (Richards et al. 2015 PMID: 25741868, with internal and published modifications).

Blueprint Genetics
Classification: Uncertain significance. Last evaluated: 2023-09-26. Review status: criteria provided, single submitter. Criteria: ACMG Guidelines, 2015. Collection method: clinical testing. Allele origin: germline.

Illumina Laboratory Services, Illumina
Classification: Uncertain significance for Retinitis pigmentosa. Last evaluated: 2018-01-12. Review status: criteria provided, single submitter. Criteria: ICSL Variant Classification Criteria 13 December 2019. Collection method: clinical testing. Allele origin: germline.

NM_016247.4(IMPG2):c.3503C>G (p.Ala1168Gly)

Gene: IMPG2 (interphotoreceptor matrix proteoglycan 2; minus strand). Cytogenetic location: 3q12.3.
Variant type: single nucleotide variant.
Coding change: c.3503C>G on transcript NM_016247.4 (MANE Select); coding-DNA position 3503, C replaced by G.
Protein change: p.Ala1168Gly; replaces alanine 1168 with glycine.
Molecular consequence: missense variant.
Genome position (GRCh38, 1-based): chr3:101,229,510, G>C on the plus strand (C>G on the coding strand, the complement: IMPG2 is on the minus strand). VCF-style: chr3-101229510-G-C. GRCh37 (hg19) VCF-style: chr3-100948354-G-C.
Other names: short protein forms A1168G.
Identifiers: ClinVar variation 342335 (VCV000342335.14), dbSNP rs201519517, ClinGen allele CA2518734.